The following is an entry in ClinVar:

ClinVar aggregate classification (germline): Likely pathogenic. Review status: criteria provided, multiple submitters, no conflicts (2 of 4 stars). 3 submissions from 3 submitters: Likely pathogenic (2). 1 of the submissions does not count toward it. Last evaluated 2026-09-17.

Conditions:
Metachromatic leukodystrophy (MLD). Also called: SULFATIDE LIPIDOSIS; Cerebral sclerosis diffuse metachromatic form; METACHROMATIC LEUKOENCEPHALOPATHY; Arylsulfatase A Deficiency; ARSA DEFICIENCY; CEREBROSIDE SULFATASE DEFICIENCY. Identifiers: Orphanet 512, MedGen C0023522, MONDO:0018868, OMIM 250100.

gnomAD v4.1: 2 of 1,559,836 alleles (0.00013%); highest among the groups gnomAD compares: South Asian, 0.0012%; no homozygotes.

Submissions (3):

Laboratory of Experimental Gene Therapy of Hereditary Metabolic Diseases, Research Centre for Medical Genetics
Classification: Likely pathogenic for Metachromatic leukodystrophy. Last evaluated: 2026-09-17. Review status: criteria provided, single submitter. Criteria: ARSA MLD Assertion Criteria V2 2026 09 18. Collection method: clinical testing. Allele origin: germline. Inheritance: Autosomal recessive inheritance. Affected: yes. Observed: 1 variant allele, 1 compound heterozygote.
Comment: The previously reported Likely pathogenic classification was reviewed and retained for the accompanying study. External ClinVar record reviewed: VCV000553149.8. Observations from the present referral series were not used to establish pathogenicity.

Labcorp Genetics (formerly Invitae), Labcorp
Classification: Likely pathogenic for Metachromatic leukodystrophy. Last evaluated: 2023-03-08. Review status: criteria provided, single submitter. Criteria: Invitae Variant Classification Sherloc (09022015). Collection method: clinical testing. Allele origin: germline.
Comment: In summary, the currently available evidence indicates that the variant is pathogenic, but additional data are needed to prove that conclusively. Therefore, this variant has been classified as Likely Pathogenic. Algorithms developed to predict the effect of sequence changes on RNA splicing suggest that this variant may disrupt the consensus splice site. ClinVar contains an entry for this variant (Variation ID: 553149). This variant has not been reported in the literature in individuals affected with ARSA-related conditions. This variant is not present in population databases (gnomAD no frequency). This sequence change affects a donor splice site in intron 1 of the ARSA gene. It is expected to disrupt RNA splicing. Variants that disrupt the donor or acceptor splice site typically lead to a loss of protein function (PMID: 16199547), and loss-of-function variants in ARSA are known to be pathogenic (PMID: 8962139, 10477432).

Counsyl
Classification: Likely pathogenic for Metachromatic leukodystrophy. Last evaluated: 2017-08-03. Review status: no assertion criteria provided. Collection method: clinical testing. Allele origin: unknown. Not counted in ClinVar's aggregate classification.

Literature cited by the submitters: PubMed 16199547 (cited by Labcorp Genetics (formerly Invitae), Labcorp); PubMed 8962139 (cited by Labcorp Genetics (formerly Invitae), Labcorp); PubMed 10477432 (cited by Labcorp Genetics (formerly Invitae), Labcorp).

NM_000487.6(ARSA):c.224+1G>A

Gene: ARSA (arylsulfatase A; minus strand). Cytogenetic location: 22q13.33.
Variant type: single nucleotide variant.
Coding change: c.224+1G>A on transcript NM_000487.6 (MANE Select); the canonical splice donor site of the intron after coding-DNA position 224, G replaced by A.
Molecular consequence: splice donor variant. On other transcripts: intron variant (2).
Genome position (GRCh38, 1-based): chr22:50,627,555, C>T on the plus strand (G>A on the coding strand, the complement: ARSA is on the minus strand). VCF-style: chr22-50627555-C-T. GRCh37 (hg19) VCF-style: chr22-51065983-C-T.
Other names: c.-34-149G>A (NM_001362782.2, NM_001085428.3); c.224+1G>A (NM_001085427.3, NM_001085426.3, NM_001085425.3).
Identifiers: ClinVar variation 553149 (VCV000553149.9), dbSNP rs1555901108, ClinGen allele CA412182074.